The following is an entry in ClinVar:

NM_004380.3(CREBBP):c.4426C>A (p.Pro1476Thr)

Gene: CREBBP (CREB binding lysine acetyltransferase; minus strand). Cytogenetic location: 16p13.3.
Variant type: single nucleotide variant.
Coding change: c.4426C>A on transcript NM_004380.3 (MANE Select); coding-DNA position 4426, C replaced by A.
Protein change: p.Pro1476Thr; replaces proline 1476 with threonine.
Molecular consequence: missense variant.
Genome position (GRCh38, 1-based): chr16:3,736,784, G>T on the plus strand (C>A on the coding strand, the complement: CREBBP is on the minus strand). VCF-style: chr16-3736784-G-T. GRCh37 (hg19) VCF-style: chr16-3786785-G-T.
Other names: c.4312C>A, p.Pro1438Thr (NM_001079846.1); short protein forms P1438T, P1476T.
Identifiers: ClinVar variation 5040331 (VCV005040331.1).

ClinVar aggregate classification (germline): Likely pathogenic (1 of 4 stars; one submission).

Submission:

CeGaT Center for Human Genetics Tuebingen
Classification: Likely pathogenic. Last evaluated: 2026-07-01. Review status: criteria provided, single submitter. Criteria: CeGaT Center For Human Genetics Tuebingen Variant Classification Criteria Version 2. Collection method: clinical testing. Allele origin: germline. Affected: yes. Observed: 1 variant allele.
Comment: CREBBP: PM2, PS2:Moderate, PP2, PP3